The following is an entry in ClinVar:

NM_000202.8(IDS):c.136G>T (p.Asp46Tyr)

Gene: IDS (iduronate 2-sulfatase; minus strand). Cytogenetic location: Xq28.
Variant type: single nucleotide variant.
Coding change: c.136G>T on transcript NM_000202.8 (MANE Select); coding-DNA position 136, G replaced by T.
Protein change: p.Asp46Tyr; replaces aspartic acid 46 with tyrosine.
Molecular consequence: missense variant. On other transcripts: 5 prime UTR variant (1), non-coding transcript variant (1).
Genome position (GRCh38, 1-based): chrX:149,504,261, C>A on the plus strand (G>T on the coding strand, the complement: IDS is on the minus strand). VCF-style: chrX-149504261-C-A. GRCh37 (hg19) VCF-style: chrX-148585791-C-A.
Other names: c.-91G>T (NM_001166550.4); c.136G>T, p.Asp46Tyr (NM_006123.5); short protein forms D46Y.
Identifiers: ClinVar variation 988668 (VCV000988668.4), dbSNP rs2089504816, ClinGen allele CA414527779.

ClinVar aggregate classification (germline): Likely pathogenic. Review status: criteria provided, multiple submitters, no conflicts (2 of 4 stars). 3 submissions from 3 submitters: Likely pathogenic (2). 1 of the submissions does not count toward it. Last evaluated 2024-06-07.

Conditions:
Mucopolysaccharidosis, MPS-II (MPS2). Also called: IDS deficiency; Sulfoiduronate sulfatase deficiency; SIDS deficiency; Mucopolysaccharidosis type 2; Mucopolysaccharidosis Type II; Attenuated MPS (subtype; formerly known as mild MPS II). Identifiers: Orphanet 580, Orphanet 79388, MedGen C0026705, MONDO:0010674, OMIM 309900.

Submissions (3):

Laboratory of Diagnosis and Therapy of Lysosomal Disorders, University of Padova
Classification: Likely pathogenic for Mucopolysaccharidosis, MPS-II. Last evaluated: 2024-06-07. Review status: criteria provided, single submitter. Criteria: ACMG Guidelines, 2015. Collection method: literature only. Allele origin: germline. Affected: yes. Observed: 2 variant alleles.
Comment: Located in a mutational hot spot and/or critical functional domain (PM1_Moderate), Absent from controls (or at low frequency) in gnomAD database (PM2_Moderate), Missense change at the same amino acid residue as a pathogenic variant (PM5_Moderate), Missense variant in a gene with a low rate of benign missense variation (PP2_Supporting), Multiple lines of computational evidence support a deleterious effect (PP3_Supporting), Patient’s phenotype or family history highly specific for the disease (PP4_Moderate)

Classification method: ACMG Guidelines [PMID:25741868] with modifications

Department of Medical Genetics, Sanjay Gandhi Post Graduate Institute of Medical Sciences
Classification: Likely pathogenic for Mucopolysaccharidosis, MPS-II. Last evaluated: 2021-02-09. Review status: criteria provided, single submitter. Criteria: ACMG Guidelines, 2015. Collection method: clinical testing. Allele origin: maternal. Inheritance: X-linked recessive inheritance. Affected: yes. Observed: 1 variant allele, 1 hemizygote.

Laboratory of Inherited Metabolic Diseases, Research centre for medical genetics
Classification: Pathogenic for Mucopolysaccharidosis, type II; MPS2. Review status: no assertion criteria provided. Collection method: research. Allele origin: germline. Affected: yes. Not counted in ClinVar's aggregate classification.

Literature cited by the submitters: PubMed 35144014 (cited by Laboratory of Diagnosis and Therapy of Lysosomal Disorders, University of Padova); PubMed 33676511 (cited by Laboratory of Diagnosis and Therapy of Lysosomal Disorders, University of Padova).